The following is an entry in ClinVar:

ClinVar aggregate classification (germline): Uncertain significance (1 of 4 stars; one submission).

Conditions:
AFF4-related disorder. Also called: AFF4-related condition.

gnomAD v4.1: 5 of 1,613,780 alleles (0.00031%); highest among the groups gnomAD compares: Middle Eastern, 0.017%; no homozygotes.

Submission:

PreventionGenetics, part of Exact Sciences
Classification: Uncertain significance for AFF4-related condition. Last evaluated: 2025-04-16. Review status: criteria provided, single submitter. Criteria: ACMG Guidelines, 2015. Collection method: clinical testing. Allele origin: germline.
Comment: The AFF4 c.2066G>A variant is predicted to result in the amino acid substitution p.Arg689Gln. To our knowledge, this variant has not been reported in the literature. This variant is reported in 0.0054% of alleles in individuals of East Asian descent in gnomAD. At this time, the clinical significance of this variant is uncertain due to the absence of conclusive functional and genetic evidence.

NM_014423.4(AFF4):c.2066G>A (p.Arg689Gln)

Gene: AFF4 (ALF transcription elongation factor 4; minus strand). Cytogenetic location: 5q31.1.
Variant type: single nucleotide variant.
Coding change: c.2066G>A on transcript NM_014423.4 (MANE Select); coding-DNA position 2066, G replaced by A.
Protein change: p.Arg689Gln; replaces arginine 689 with glutamine.
Molecular consequence: missense variant.
Genome position (GRCh38, 1-based): chr5:132,896,564, C>T on the plus strand (G>A on the coding strand, the complement: AFF4 is on the minus strand). VCF-style: chr5-132896564-C-T. GRCh37 (hg19) VCF-style: chr5-132232256-C-T.
Other names: short protein forms R689Q.
Identifiers: ClinVar variation 4981150 (VCV004981150.1).